The following is an entry in ClinVar:

NM_000135.4(FANCA):c.353C>T (p.Ala118Val)

Gene: FANCA (FA complementation group A; minus strand). Cytogenetic location: 16q24.3.
Variant type: single nucleotide variant.
Coding change: c.353C>T on transcript NM_000135.4 (MANE Select); coding-DNA position 353, C replaced by T.
Protein change: p.Ala118Val; replaces alanine 118 with valine.
Molecular consequence: missense variant.
Genome position (GRCh38, 1-based): chr16:89,811,002, G>A on the plus strand (C>T on the coding strand, the complement: FANCA is on the minus strand). VCF-style: chr16-89811002-G-A. GRCh37 (hg19) VCF-style: chr16-89877410-G-A.
Other names: c.353C>T (LRG_495t1); c.353C>T, p.Ala118Val (NM_001018112.3, NM_001286167.3, NM_001351830.2); short protein forms A118V.
Identifiers: ClinVar variation 649143 (VCV000649143.10), dbSNP rs1201642328, ClinGen allele CA397480988.
Genomic context (GRCh38, chr16:89,811,002, plus strand): 5'-GTCAGCAGCACAGGGTGACTGGTCTCCGCTGGAGCCGTGCAGATCTGTCCCACGCTAGAG[G>A]CAACCATCCCGGCTGAGAGAATACCCACGGGAACCCCCAGCCTTGAGGCTTGATCCTGCA-3'
Protein context (NP_000126.2, residues 108-128): PVGILSAGMV[Ala118Val]SSVGQICTAP

ClinVar aggregate classification (germline): Uncertain significance. Review status: criteria provided, multiple submitters, no conflicts (2 of 4 stars). 4 submissions from 4 submitters: Uncertain significance (3). 1 of the submissions does not count toward it. Last evaluated 2025-12-29.

Conditions:
Fanconi anemia (FA). Also called: Fanconi's anemia. Identifiers: Orphanet 84, MedGen C0015625, MeSH D005199, MONDO:0019391.
Fanconi anemia complementation group A (FANCA). Also called: FANCA-Related Fanconi Anemia; Fanconi anemia, group A. Identifiers: Orphanet 84, MedGen C3469521, MONDO:0009215, OMIM 227650.

Allele frequency attached by ClinVar (database versions not stated): gnomAD exomes 0.00001 and below 0.00001; TOPMed 0.00001; gnomAD 0.00001.

Submissions (4):

Labcorp Genetics (formerly Invitae), Labcorp
Classification: Uncertain significance for Fanconi anemia. Last evaluated: 2025-12-29. Review status: criteria provided, single submitter. Criteria: Invitae Variant Classification Sherloc (09022015). Collection method: clinical testing. Allele origin: germline.
Comment: This sequence change replaces alanine, which is neutral and non-polar, with valine, which is neutral and non-polar, at codon 118 of the FANCA protein (p.Ala118Val). This variant is present in population databases (no rsID available, gnomAD 0.003%). This variant has not been reported in the literature in individuals affected with FANCA-related conditions. ClinVar contains an entry for this variant (Variation ID: 649143). Invitae Evidence Modeling of protein sequence and biophysical properties (such as structural, functional, and spatial information, amino acid conservation, physicochemical variation, residue mobility, and thermodynamic stability) indicates that this missense variant is not expected to disrupt FANCA protein function with a negative predictive value of 95%. In summary, the available evidence is currently insufficient to determine the role of this variant in disease. Therefore, it has been classified as a Variant of Uncertain Significance.

Dasa
Classification: Uncertain significance. Last evaluated: 2025-12-23. Review status: criteria provided, single submitter. Criteria: DASA Assertion Criteria. Collection method: clinical testing. Allele origin: germline.
Comment: NM_000135.4(FANCA):c.353C>T (p.Ala118Val) is a missense variant that results in the substitution of alanine with valine. This variant is rare in population databases. Computational prediction algorithms are consistent with a benign effect. The currently available literature and clinical evidence are not sufficient to establish a definitive association between this variant and the reported condition. Therefore, this variant is classified as a variant of uncertain significance.

Fulgent Genetics
Classification: Uncertain significance for Fanconi anemia complementation group A. Last evaluated: 2021-07-02. Review status: criteria provided, single submitter. Criteria: ACMG Guidelines, 2015. Collection method: clinical testing. Allele origin: unknown.

Natera, Inc.
Classification: Uncertain significance for Fanconi anemia, group A. Last evaluated: 2020-09-16. Review status: no assertion criteria provided. Collection method: clinical testing. Allele origin: germline. Not counted in ClinVar's aggregate classification.